The following is an entry in ClinVar:

ClinVar aggregate classification (germline): Uncertain significance (1 of 4 stars; one submission).

Submission:

Mayo Clinic Laboratories, Mayo Clinic
Classification: Uncertain significance. Last evaluated: 2024-02-14. Review status: criteria provided, single submitter. Criteria: ACMG Guidelines, 2015. Collection method: clinical testing. Allele origin: germline. Observed: 1 variant allele.
Comment: PM2

NM_001110556.2(FLNA):c.4043_4044delinsTT (p.Pro1348Leu)

Gene: FLNA (filamin A; minus strand). Cytogenetic location: Xq28.
Variant type: Indel.
Coding change: c.4043_4044delinsTT on transcript NM_001110556.2 (MANE Select); coding-DNA positions 4043 to 4044, CC replaced by TT.
Protein change: p.Pro1348Leu; replaces proline 1348 with leucine.
Molecular consequence: missense variant.
Genome position (GRCh38, 1-based): chrX:154,359,582-154,359,583, GG replaced by AA on the plus strand (CC replaced by TT on the coding strand, the reverse complement: FLNA is on the minus strand). VCF-style: chrX-154359582-GG-AA. GRCh37 (hg19) VCF-style: chrX-153587950-GG-AA.
Other names: p.Pro1348Leu; c.4043_4044delinsTT, p.Pro1348Leu (NM_001456.4); short protein forms P1348L.
Identifiers: ClinVar variation 3380760 (VCV003380760.1).